The following is an entry in ClinVar:

ClinVar aggregate classification (germline): Uncertain significance. Review status: criteria provided, multiple submitters, no conflicts (2 of 4 stars). 2 submissions from 2 submitters: Uncertain significance (2). Last evaluated 2025-10-23.

Conditions:
Primary ciliary dyskinesia. Also called: Ciliary dyskinesia. Identifiers: Orphanet 244, MedGen C0008780, MONDO:0016575, HP:0012265.

Allele frequency attached by ClinVar (database versions not stated): gnomAD 0.00020 and 0.00023; TOPMed 0.00023; ESP Exome Variant Server 0.00031.
gnomAD v4.1: 61 of 1,613,740 alleles (0.0038%); highest among the groups gnomAD compares: African/African-American, 0.069%; no homozygotes.

Submissions (2):

Ambry Genetics
Classification: Uncertain significance. Last evaluated: 2025-10-23. Review status: criteria provided, single submitter. Criteria: Ambry Variant Classification Scheme 2023. Collection method: clinical testing. Allele origin: germline.

Labcorp Genetics (formerly Invitae), Labcorp
Classification: Uncertain significance for Primary ciliary dyskinesia. Last evaluated: 2023-12-15. Review status: criteria provided, single submitter. Criteria: Invitae Variant Classification Sherloc (09022015). Collection method: clinical testing. Allele origin: germline.
Comment: This sequence change replaces methionine, which is neutral and non-polar, with leucine, which is neutral and non-polar, at codon 2572 of the DNAH8 protein (p.Met2572Leu). This variant is present in population databases (rs151051760, gnomAD 0.09%). This variant has not been reported in the literature in individuals affected with DNAH8-related conditions. ClinVar contains an entry for this variant (Variation ID: 454594). Advanced modeling of protein sequence and biophysical properties (such as structural, functional, and spatial information, amino acid conservation, physicochemical variation, residue mobility, and thermodynamic stability) performed at Invitae indicates that this missense variant is not expected to disrupt DNAH8 protein function with a negative predictive value of 80%. In summary, the available evidence is currently insufficient to determine the role of this variant in disease. Therefore, it has been classified as a Variant of Uncertain Significance.

NM_001206927.2(DNAH8):c.7714A>C (p.Met2572Leu)

Gene: DNAH8 (dynein axonemal heavy chain 8; plus strand). Cytogenetic location: 6p21.2.
Variant type: single nucleotide variant.
Coding change: c.7714A>C on transcript NM_001206927.2 (MANE Select); coding-DNA position 7714, A replaced by C.
Protein change: p.Met2572Leu; replaces methionine 2572 with leucine.
Molecular consequence: missense variant.
Genome position (GRCh38, 1-based): chr6:38,875,684, A>C. VCF-style: chr6-38875684-A-C. GRCh37 (hg19) VCF-style: chr6-38843460-A-C.
Other names: c.7063A>C, p.Met2355Leu (NM_001371.4); short protein forms M2572L, M2355L.
Identifiers: ClinVar variation 454594 (VCV000454594.9), dbSNP rs151051760, ClinGen allele CA3790001.